The following is an entry in ClinVar:

ClinVar aggregate classification (germline): Uncertain significance. Review status: criteria provided, multiple submitters, no conflicts (2 of 4 stars). 2 submissions from 2 submitters: Uncertain significance (2). Last evaluated 2024-12-19.

Allele frequency attached by ClinVar (database versions not stated): 1000 Genomes Project 30x 0.00016.
gnomAD v4.1: 52 of 1,609,564 alleles (0.0032%); highest among the groups gnomAD compares: Middle Eastern, 0.017%; no homozygotes.

Submissions (2):

Labcorp Genetics (formerly Invitae), Labcorp
Classification: Uncertain significance. Last evaluated: 2024-12-19. Review status: criteria provided, single submitter. Criteria: Invitae Variant Classification Sherloc (09022015). Collection method: clinical testing. Allele origin: germline.
Comment: This sequence change replaces arginine, which is basic and polar, with cysteine, which is neutral and slightly polar, at codon 847 of the MYH7B protein (p.Arg847Cys). This variant is present in population databases (rs151049878, gnomAD 0.03%). This variant has not been reported in the literature in individuals affected with MYH7B-related conditions. ClinVar contains an entry for this variant (Variation ID: 2412173). Invitae Evidence Modeling of protein sequence and biophysical properties (such as structural, functional, and spatial information, amino acid conservation, physicochemical variation, residue mobility, and thermodynamic stability) indicates that this missense variant is expected to disrupt MYH7B protein function with a positive predictive value of 80%. In summary, the available evidence is currently insufficient to determine the role of this variant in disease. Therefore, it has been classified as a Variant of Uncertain Significance.

Ambry Genetics
Classification: Uncertain significance. Last evaluated: 2021-08-09. Review status: criteria provided, single submitter. Criteria: Ambry Variant Classification Scheme 2023. Collection method: clinical testing. Allele origin: germline.

NM_020884.7(MYH7B):c.2413C>T (p.Arg805Cys)

Gene: MYH7B (myosin heavy chain 7B; plus strand). Cytogenetic location: 20q11.22.
Variant type: single nucleotide variant.
Coding change: c.2413C>T on transcript NM_020884.7 (MANE Select); coding-DNA position 2413, C replaced by T.
Protein change: p.Arg805Cys; replaces arginine 805 with cysteine.
Molecular consequence: missense variant.
Genome position (GRCh38, 1-based): chr20:34,993,439, C>T. VCF-style: chr20-34993439-C-T. GRCh37 (hg19) VCF-style: chr20-33581242-C-T.
Other names: short protein forms R805C.
Identifiers: ClinVar variation 2412173 (VCV002412173.4), dbSNP rs151049878, ClinGen allele CA9827363.